The following is an entry in ClinVar:

NM_001365276.2(TNXB):c.5678C>T (p.Thr1893Met)

Gene: TNXB (tenascin XB; minus strand). Cytogenetic location: 6p21.33.
Variant type: single nucleotide variant.
Coding change: c.5678C>T on transcript NM_001365276.2 (MANE Select); coding-DNA position 5678, C replaced by T.
Protein change: p.Thr1893Met; replaces threonine 1893 with methionine.
Molecular consequence: missense variant.
Genome position (GRCh38, 1-based): chr6:32,069,046, G>A on the plus strand (C>T on the coding strand, the complement: TNXB is on the minus strand). VCF-style: chr6-32069046-G-A. GRCh37 (hg19) VCF-style: chr6-32036823-G-A.
Other names: p.Thr1893Met; c.5678C>T, p.Thr1893Met (NM_019105.8); short protein forms T1893M.
Identifiers: ClinVar variation 1748994 (VCV001748994.8), dbSNP rs748031327, ClinGen allele CA3734627.
Genomic context (GRCh38, chr6:32,069,046, plus strand): 5'-ATTTCGAAGGAGTCAAATTCTCCCTCAGTCACCATCCAGGAGAGATGCAGGGTGTGTGAC[G>A]TGGCCTCCTCCACTGTCAACTCCCCGAGGTGGGGCTCAGGCGCTGGAGGGGTCGGGGCCG-3'
Protein context (NP_001352205.1, residues 1883-1903): HLGELTVEEA[Thr1893Met]SHTLHLSWMV

ClinVar aggregate classification (germline): Uncertain significance. Review status: criteria provided, multiple submitters, no conflicts (2 of 4 stars). 5 submissions from 5 submitters: Uncertain significance (5). Last evaluated 2026-04-27.

Conditions:
TNXB-related disorder. Also called: TNXB-related condition.
Cardiovascular phenotype. Identifiers: MedGen CN230736.

Allele frequency attached by ClinVar (database versions not stated): gnomAD exomes 0.00001; gnomAD 0.00006; ExAC 0.00002; TOPMed 0.00004.
gnomAD v4.1: 23 of 1,612,692 alleles (0.0014%); highest among the groups gnomAD compares: African/African-American, 0.013%; no homozygotes.

Submissions (5):

Women's Health and Genetics/Laboratory Corporation of America, LabCorp
Classification: Uncertain significance. Last evaluated: 2026-04-27. Review status: criteria provided, single submitter. Criteria: LabCorp Variant Classification Summary - May 2015. Collection method: clinical testing. Allele origin: germline.
Comment: Variant summary: TNXB c.5678C>T (p.Thr1893Met) results in a non-conservative amino acid change in the encoded protein sequence. Algorithms developed to predict the effect of missense changes on protein structure and function are either unavailable or do not agree on the potential impact of this missense change. The variant allele was found at a frequency of 1.6e-05 in 244214 control chromosomes. The available data on variant occurrences in the general population are insufficient to allow any conclusion about variant significance. To our knowledge, no occurrence of c.5678C>T in individuals affected with TNXB-related conditions and no experimental evidence demonstrating its impact on protein function have been reported. ClinVar contains an entry for this variant (Variation ID: 1748994). Based on the evidence outlined above, the variant was classified as uncertain significance.

Mayo Clinic Laboratories, Mayo Clinic
Classification: Uncertain significance. Last evaluated: 2025-04-21. Review status: criteria provided, single submitter. Criteria: ACMG Guidelines, 2015. Collection method: clinical testing. Allele origin: germline. Observed: 2 variant alleles.
Comment: BP4_moderate

PreventionGenetics, part of Exact Sciences
Classification: Uncertain significance for TNXB-related condition. Last evaluated: 2024-12-23. Review status: criteria provided, single submitter. Criteria: ACMG Guidelines, 2015. Collection method: clinical testing. Allele origin: germline.
Comment: The TNXB c.5678C>T variant is predicted to result in the amino acid substitution p.Thr1893Met. To our knowledge, this variant has not been reported in the literature. This variant is reported in 0.0087% of alleles in individuals of African descent in gnomAD. At this time, the clinical significance of this variant is uncertain due to the absence of conclusive functional and genetic evidence.

GeneDx
Classification: Uncertain significance. Last evaluated: 2024-11-18. Review status: criteria provided, single submitter. Criteria: GeneDx Variant Classification Process June 2021. Collection method: clinical testing. Allele origin: germline.
Comment: Has not been previously published as pathogenic or benign to our knowledge; Not observed at significant frequency in large population cohorts (gnomAD); In silico analysis supports that this missense variant has a deleterious effect on protein structure/function

Ambry Genetics
Classification: Uncertain significance for Cardiovascular phenotype. Last evaluated: 2024-08-04. Review status: criteria provided, single submitter. Criteria: Ambry Variant Classification Scheme 2023. Collection method: clinical testing. Allele origin: germline.